The following is an entry in ClinVar:

NM_001160148.2(DDHD1):c.1321A>G (p.Arg441Gly)

Gene: DDHD1 (DDHD domain containing 1; minus strand). Cytogenetic location: 14q22.1.
Variant type: single nucleotide variant.
Coding change: c.1321A>G on transcript NM_001160148.2 (MANE Select); coding-DNA position 1321, A replaced by G.
Protein change: p.Arg441Gly; replaces arginine 441 with glycine.
Molecular consequence: missense variant.
Genome position (GRCh38, 1-based): chr14:53,073,816, T>C on the plus strand (A>G on the coding strand, the complement: DDHD1 is on the minus strand). VCF-style: chr14-53073816-T-C. GRCh37 (hg19) VCF-style: chr14-53540534-T-C.
Other names: c.1342A>G, p.Arg448Gly (NM_001160147.2); c.1321A>G, p.Arg441Gly (NM_030637.3); short protein forms R441G, R448G.
Identifiers: ClinVar variation 1003773 (VCV001003773.8), dbSNP rs766121321, ClinGen allele CA7191266.

ClinVar aggregate classification (germline): Uncertain significance (1 of 4 stars; one submission).

Conditions:
Hereditary spastic paraplegia 28. Also called: Spastic paraplegia 28, autosomal recessive. Identifiers: Orphanet 101008, MedGen C1836295, MONDO:0012256, OMIM 609340.

Allele frequency attached by ClinVar (database versions not stated): ExAC 0.00001; gnomAD 0.00001; gnomAD exomes 0.00001; TOPMed 0.00001.
gnomAD v4.1: 13 of 1,611,030 alleles (0.00081%); highest among the groups gnomAD compares: African/African-American, 0.0013%; no homozygotes.

Submission:

Labcorp Genetics (formerly Invitae), Labcorp
Classification: Uncertain significance for Hereditary spastic paraplegia 28. Last evaluated: 2022-07-09. Review status: criteria provided, single submitter. Criteria: Invitae Variant Classification Sherloc (09022015). Collection method: clinical testing. Allele origin: germline.
Comment: This sequence change replaces arginine, which is basic and polar, with glycine, which is neutral and non-polar, at codon 448 of the DDHD1 protein (p.Arg448Gly). This variant is present in population databases (rs766121321, gnomAD 0.002%). This variant has not been reported in the literature in individuals affected with DDHD1-related conditions. ClinVar contains an entry for this variant (Variation ID: 1003773). Algorithms developed to predict the effect of missense changes on protein structure and function are either unavailable or do not agree on the potential impact of this missense change (SIFT: "Deleterious"; PolyPhen-2: "Benign"; Align-GVGD: "Class C45"). In summary, the available evidence is currently insufficient to determine the role of this variant in disease. Therefore, it has been classified as a Variant of Uncertain Significance.